The following is an entry in ClinVar:

ClinVar aggregate classification (germline): Likely benign (1 of 4 stars; one submission).

gnomAD v4.1: 945 of 1,614,076 alleles (0.059%); highest among the groups gnomAD compares: Middle Eastern, 0.82%; 4 homozygotes.

Submission:

Mayo Clinic Laboratories, Mayo Clinic
Classification: Likely benign. Last evaluated: 2025-07-16. Review status: criteria provided, single submitter. Criteria: ACMG Guidelines, 2015. Collection method: clinical testing. Allele origin: germline. Observed: 3 variant alleles.
Comment: BP4, BP7

NM_012088.3(PGLS):c.546G>A (p.Pro182=)

Gene: PGLS (6-phosphogluconolactonase; plus strand). Cytogenetic location: 19p13.11.
Variant type: single nucleotide variant.
Coding change: c.546G>A on transcript NM_012088.3 (MANE Select); coding-DNA position 546, G replaced by A.
Protein change: p.Pro182=; no amino-acid change (proline 182 retained).
Molecular consequence: synonymous variant.
Genome position (GRCh38, 1-based): chr19:17,517,757, G>A. VCF-style: chr19-17517757-G-A. GRCh37 (hg19) VCF-style: chr19-17628566-G-A.
Other names: p.Pro182=.
Identifiers: ClinVar variation 4684338 (VCV004684338.1).